The following is an entry in ClinVar:

NM_020822.3(KCNT1):c.2168_2175dup (p.Asp726fs)

Gene: KCNT1 (potassium sodium-activated channel subfamily T member 1; plus strand). Cytogenetic location: 9q34.3.
Variant type: Duplication.
Coding change: c.2168_2175dup on transcript NM_020822.3 (MANE Select); coding-DNA positions 2168 to 2175, 8 bases duplicated (TGCCCTGC; older notation c.2168_2175dupTGCCCTGC).
Protein change: p.Asp726fs; shifts the reading frame from aspartic acid 726.
Molecular consequence: frameshift variant.
Genome position (GRCh38, 1-based): chr9:135,772,874-135,772,881, TGCCCTGC duplicated; duplicating any 8 consecutive bases within chr9:135,772,867-135,772,881 gives the same sequence; the c. name uses the placement nearest the transcript's 3' end. VCF-style (leftmost placement, unchanged base first): chr9-135772866-A-AGCCCTGCT. GRCh37 (hg19) VCF-style: chr9-138664712-A-AGCCCTGCT.
Other names: c.2033_2040dup, p.Asp681fs (NM_001272003.2); short protein forms D726fs, D681fs.
Identifiers: ClinVar variation 2141867 (VCV002141867.4), dbSNP rs1432520131, ClinGen allele CA591364457.

ClinVar aggregate classification (germline): Uncertain significance (1 of 4 stars; one submission).

Conditions:
Autosomal dominant nocturnal frontal lobe epilepsy 5. Also called: Epilepsy, nocturnal frontal lobe, 5; KCNT1-Related Epilepsy; CILIARY DYSKINESIA, PRIMARY, 28, WITHOUT SITUS INVERSUS; CILIARY DYSKINESIA, PRIMARY, 28, WITH SITUS INVERSUS. Identifiers: Orphanet 98784, MedGen C3554306, MONDO:0014002, OMIM 615005.
Developmental and epileptic encephalopathy, 14 (DEE14). Also called: Early infantile epileptic encephalopathy 14. Identifiers: Orphanet 293181, MedGen C3554195, MONDO:0013989, OMIM 614959.

Submission:

Labcorp Genetics (formerly Invitae), Labcorp
Classification: Uncertain significance for Autosomal dominant nocturnal frontal lobe epilepsy 5; Developmental and epileptic encephalopathy, 14. Last evaluated: 2024-09-24. Review status: criteria provided, single submitter. Criteria: Invitae Variant Classification Sherloc (09022015). Collection method: clinical testing. Allele origin: germline.
Comment: This sequence change creates a premature translational stop signal (p.Asp726Cysfs*6) in the KCNT1 gene. It is expected to result in an absent or disrupted protein product. However, the current clinical and genetic evidence is not sufficient to establish whether loss-of-function variants in KCNT1 cause disease. This variant is present in population databases (no rsID available, gnomAD 0.01%). This variant has not been reported in the literature in individuals affected with KCNT1-related conditions. ClinVar contains an entry for this variant (Variation ID: 2141867). In summary, the available evidence is currently insufficient to determine the role of this variant in disease. Therefore, it has been classified as a Variant of Uncertain Significance.